The following is an entry in ClinVar:

ClinVar aggregate classification (germline): Uncertain significance (1 of 4 stars; one submission).

Conditions:
MHC class II deficiency. Also called: Bare lymphocyte syndrome 2; BLS, TYPE II. Identifiers: Orphanet 572, MedGen C5447452, MONDO:0008855.

Allele frequency attached by ClinVar (database versions not stated): ExAC 0.00001.
gnomAD v4.1: 13 of 1,611,022 alleles (0.00081%); highest among the groups gnomAD compares: Non-Finnish European, 0.001%; no homozygotes.

Submission:

Labcorp Genetics (formerly Invitae), Labcorp
Classification: Uncertain significance for MHC class II deficiency. Last evaluated: 2022-02-20. Review status: criteria provided, single submitter. Criteria: Invitae Variant Classification Sherloc (09022015). Collection method: clinical testing. Allele origin: germline.
Comment: This sequence change replaces tyrosine, which is neutral and polar, with phenylalanine, which is neutral and non-polar, at codon 104 of the CIITA protein (p.Tyr104Phe). This variant is present in population databases (rs747941848, gnomAD 0.002%). This variant has not been reported in the literature in individuals affected with CIITA-related conditions. ClinVar contains an entry for this variant (Variation ID: 964185). Algorithms developed to predict the effect of missense changes on protein structure and function are either unavailable or do not agree on the potential impact of this missense change (SIFT: "Tolerated"; PolyPhen-2: "Probably Damaging"; Align-GVGD: "Class C0"). In summary, the available evidence is currently insufficient to determine the role of this variant in disease. Therefore, it has been classified as a Variant of Uncertain Significance.

NM_000246.4(CIITA):c.311A>T (p.Tyr104Phe)

Gene: CIITA (class II major histocompatibility complex transactivator; plus strand). Cytogenetic location: 16p13.13.
Variant type: single nucleotide variant.
Coding change: c.311A>T on transcript NM_000246.4 (MANE Select); coding-DNA position 311, A replaced by T.
Protein change: p.Tyr104Phe; replaces tyrosine 104 with phenylalanine.
Molecular consequence: missense variant. On other transcripts: non-coding transcript variant (1).
Genome position (GRCh38, 1-based): chr16:10,898,685, A>T. VCF-style: chr16-10898685-A-T. GRCh37 (hg19) VCF-style: chr16-10992542-A-T.
Other names: c.311A>T, p.Tyr104Phe (NM_001286402.1, NM_001286403.2, NM_001379330.1 and 3 more transcripts); c.239A>T, p.Tyr80Phe (NM_001379334.1); short protein forms Y104F, Y80F.
Identifiers: ClinVar variation 964185 (VCV000964185.4), dbSNP rs747941848, ClinGen allele CA7899665.